The following is an entry in ClinVar:

ClinVar aggregate classification (germline): Benign/Likely benign. Review status: criteria provided, multiple submitters, no conflicts (2 of 4 stars). 4 submissions from 4 submitters: Benign (1); Likely benign (3). Last evaluated 2025-01-03.

Conditions:
Hereditary nonpolyposis colorectal neoplasms. Identifiers: MedGen C0009405, MeSH D003123.
Hereditary cancer-predisposing syndrome. Also called: Hereditary neoplastic syndrome; Tumor predisposition; Hereditary Cancer Syndrome; Neoplastic Syndromes, Hereditary. Identifiers: Orphanet 140162, MedGen C0027672, MeSH D009386, MONDO:0015356.
Lynch syndrome 5 (LYNCH5). Also called: Colorectal cancer, hereditary nonpolyposis, type 5; Hereditary non-polyposis colorectal cancer, type 5. Identifiers: Orphanet 144, MedGen C1833477, MONDO:0013710, OMIM 614350. Disease mechanism: loss of function.

Submissions (4):

Myriad Genetics, Inc.
Classification: Benign for Lynch syndrome 5. Last evaluated: 2025-01-03. Review status: criteria provided, single submitter. Criteria: Myriad Autosomal Dominant, Autosomal Recessive and X-Linked Classification Criteria (2023). Collection method: clinical testing. Allele origin: unknown.
Comment: This variant is considered benign. This variant is a silent/synonymous amino acid change and it is not expected to impact splicing.

Labcorp Genetics (formerly Invitae), Labcorp
Classification: Likely benign for Hereditary nonpolyposis colorectal neoplasms. Last evaluated: 2023-10-28. Review status: criteria provided, single submitter. Criteria: Invitae Variant Classification Sherloc (09022015). Collection method: clinical testing. Allele origin: germline.

Ambry Genetics
Classification: Likely benign for Hereditary cancer-predisposing syndrome. Last evaluated: 2017-10-17. Review status: criteria provided, single submitter. Criteria: Ambry Variant Classification Scheme 2023. Collection method: clinical testing. Allele origin: germline.

Color Diagnostics, LLC DBA Color Health
Classification: Likely benign for Hereditary cancer-predisposing syndrome. Last evaluated: 2016-11-01. Review status: criteria provided, single submitter. Criteria: ACMG Guidelines, 2015. Collection method: clinical testing. Allele origin: germline.

NM_000179.3(MSH6):c.3186C>T (p.Cys1062=)

Gene: MSH6 (mutS homolog 6; plus strand). Cytogenetic location: 2p16.3.
Variant type: single nucleotide variant.
Coding change: c.3186C>T on transcript NM_000179.3 (MANE Select); coding-DNA position 3186, C replaced by T.
Protein change: p.Cys1062=; no amino-acid change (cysteine 1062 retained).
Molecular consequence: synonymous variant.
Genome position (GRCh38, 1-based): chr2:47,803,433, C>T. VCF-style: chr2-47803433-C-T. GRCh37 (hg19) VCF-style: chr2-48030572-C-T.
Other names: c.2796C>T, p.Cys932= (NM_001281492.2); c.2280C>T, p.Cys760= (NM_001281493.2, NM_001281494.2).
Identifiers: ClinVar variation 491930 (VCV000491930.15), dbSNP rs1553331255, ClinGen allele CA426121712.